The following is an entry in ClinVar:

NM_004104.5(FASN):c.3874G>T (p.Val1292Phe)

Gene: FASN (fatty acid synthase; minus strand). Cytogenetic location: 17q25.3.
Variant type: single nucleotide variant.
Coding change: c.3874G>T on transcript NM_004104.5 (MANE Select); coding-DNA position 3874, G replaced by T.
Protein change: p.Val1292Phe; replaces valine 1292 with phenylalanine.
Molecular consequence: missense variant.
Genome position (GRCh38, 1-based): chr17:82,085,730, C>A on the plus strand (G>T on the coding strand, the complement: FASN is on the minus strand). VCF-style: chr17-82085730-C-A. GRCh37 (hg19) VCF-style: chr17-80043606-C-A.
Other names: short protein forms V1292F.
Identifiers: ClinVar variation 1477922 (VCV001477922.8), dbSNP rs773063554, ClinGen allele CA8852256.

ClinVar aggregate classification (germline): Uncertain significance (1 of 4 stars; one submission).

Conditions:
Epileptic encephalopathy. Identifiers: MedGen C0543888, HP:0200134.

gnomAD v4.1: 3 of 1,565,212 alleles (0.00019%); highest among the groups gnomAD compares: African/African-American, 0.0027%; no homozygotes.

Submission:

Labcorp Genetics (formerly Invitae), Labcorp
Classification: Uncertain significance for Epileptic encephalopathy. Last evaluated: 2021-04-06. Review status: criteria provided, single submitter. Criteria: Invitae Variant Classification Sherloc (09022015). Collection method: clinical testing. Allele origin: germline.
Comment: In summary, the available evidence is currently insufficient to determine the role of this variant in disease. Therefore, it has been classified as a Variant of Uncertain Significance. Algorithms developed to predict the effect of missense changes on protein structure and function are either unavailable or do not agree on the potential impact of this missense change (SIFT: "Tolerated"; PolyPhen-2: "Possibly Damaging"; Align-GVGD: "Class C0"). This variant has not been reported in the literature in individuals with FASN-related conditions. This variant is present in population databases (rs773063554, ExAC 0.05%). This sequence change replaces valine with phenylalanine at codon 1292 of the FASN protein (p.Val1292Phe). The valine residue is weakly conserved and there is a small physicochemical difference between valine and phenylalanine.